The following is an entry in ClinVar:

ClinVar aggregate classification (germline): Pathogenic (1 of 4 stars; one submission).

Conditions:
Amyotrophic lateral sclerosis type 12 (ALS12). Also called: AMYOTROPHIC LATERAL SCLEROSIS 12 WITH OR WITHOUT FRONTOTEMPORAL DEMENTIA. Identifiers: Orphanet 803, MedGen C3150692, MONDO:0013264, OMIM 613435.
Primary open angle glaucoma (POAG). Also called: OPTN-related open angle glaucoma. Identifiers: MedGen C0339573, MONDO:0100553, OMIM 137760.
Glaucoma 1, open angle, E. Identifiers: MedGen C1842026, MONDO:0007665.

Submission:

Labcorp Genetics (formerly Invitae), Labcorp
Classification: Pathogenic for Primary open angle glaucoma; Glaucoma 1, open angle, E; Amyotrophic lateral sclerosis type 12. Last evaluated: 2026-01-15. Review status: criteria provided, single submitter. Criteria: Invitae Variant Classification Sherloc (09022015). Collection method: clinical testing. Allele origin: germline.
Comment: This sequence change creates a premature translational stop signal (p.Glu50Argfs*5) in the OPTN gene. It is expected to result in an absent or disrupted protein product. Loss-of-function variants in OPTN are known to be pathogenic (PMID: 20428114). This variant is not present in population databases (gnomAD no frequency). This variant has not been reported in the literature in individuals affected with OPTN-related conditions. For these reasons, this variant has been classified as Pathogenic.

Literature cited by the submitters: PubMed 20428114.

NM_001008212.2(OPTN):c.148del (p.Glu50fs)

Genes: OPTN (optineurin; plus strand), LOC108903148 (10p13 OPTN distal Alu-mediated recombination region; plus strand). Cytogenetic location: 10p13.
Variant type: Deletion.
Coding change: c.148del on transcript NM_001008212.2 (MANE Select); coding-DNA position 148, one base deleted (G; older notation c.148delG).
Protein change: p.Glu50fs; shifts the reading frame from glutamic acid 50.
Molecular consequence: frameshift variant.
Genome position (GRCh38, 1-based): chr10:13,109,270, G deleted. VCF-style (leftmost placement, unchanged base first): chr10-13109269-CG-C. GRCh37 (hg19) VCF-style: chr10-13151269-CG-C.
Other names: c.148del, p.Glu50fs (NM_001008211.1, NM_001008213.1, NM_021980.4); short protein forms E50fs.
Identifiers: ClinVar variation 4792704 (VCV004792704.1).